The following is an entry in ClinVar:

NM_024757.5(EHMT1):c.3576C>G (p.Tyr1192Ter)

Gene: EHMT1 (euchromatic histone lysine methyltransferase 1; plus strand). Cytogenetic location: 9q34.3.
Variant type: single nucleotide variant.
Coding change: c.3576C>G on transcript NM_024757.5 (MANE Select); coding-DNA position 3576, C replaced by G.
Protein change: p.Tyr1192Ter; replaces tyrosine 1192 with a stop codon.
Molecular consequence: nonsense.
Genome position (GRCh38, 1-based): chr9:137,834,384, C>G. VCF-style: chr9-137834384-C-G. GRCh37 (hg19) VCF-style: chr9-140728836-C-G.
Other names: c.3555C>G, p.Tyr1185Ter (NM_001354263.2); short protein forms Y1185*, Y1192*.
Identifiers: ClinVar variation 3727362 (VCV003727362.2).

ClinVar aggregate classification (germline): Pathogenic (1 of 4 stars; one submission).

Conditions:
Kleefstra syndrome 1 (KLEFS1). Identifiers: Orphanet 261494, MedGen C0795833, MONDO:0027407, OMIM 610253.

Submission:

Labcorp Genetics (formerly Invitae), Labcorp
Classification: Pathogenic for Kleefstra syndrome 1. Last evaluated: 2024-09-10. Review status: criteria provided, single submitter. Criteria: Invitae Variant Classification Sherloc (09022015). Collection method: clinical testing. Allele origin: germline.
Comment: This sequence change creates a premature translational stop signal (p.Tyr1192*) in the EHMT1 gene. It is expected to result in an absent or disrupted protein product. Loss-of-function variants in EHMT1 are known to be pathogenic (PMID: 16826528, 19264732). This variant is not present in population databases (gnomAD no frequency). This variant has not been reported in the literature in individuals affected with EHMT1-related conditions. For these reasons, this variant has been classified as Pathogenic.

Literature cited by the submitters: PubMed 16826528; PubMed 19264732.